The following is an entry in ClinVar:

ClinVar aggregate classification (germline): Uncertain significance (1 of 4 stars; one submission).

Conditions:
Catifa syndrome. Also called: CLEFT LIP, CATARACT, TOOTH ABNORMALITY, IMPAIRED INTELLECTUAL DEVELOPMENT, FACIAL DYSMORPHISM, AND ATTENTION-DEFICIT HYPERACTIVITY DISORDER. Identifiers: MedGen C5231492, MONDO:0032901, OMIM 618761.

Submission:

Victorian Clinical Genetics Services, Murdoch Childrens Research Institute
Classification: Uncertain significance for Catifa syndrome. Last evaluated: 2022-02-02. Review status: criteria provided, single submitter. Criteria: ACMG Guidelines, 2015. Collection method: clinical testing. Allele origin: germline. Inheritance: Autosomal recessive inheritance.
Comment: Based on the classification scheme VCGS_Germline_v1.3.4, this variant is classified as VUS-3B. Following criteria are met: 0105 - The mechanism of disease for this gene is not clearly established. However, based on zebrafish models, loss-of-function is likely (PMID: 31932796). (I) 0106 - This gene is associated with autosomal recessive disease. (I) 0216 - In-frame insertion/deletion in a non-repetitive region that has low conservation. (SP) 0251 - This variant is heterozygous. (I) 0304 - Variant is present in gnomAD <0.01 for a recessive condition (v3: 12 heterozygotes, 0 homozygotes). (SP) 0604 - Variant is not located in an established domain, motif, hotspot or informative constraint region. (I) 0705 - No comparable missense variants have previous evidence for pathogenicity. (I) 0807 - This variant has no previous evidence of pathogenicity. (I) 0905 - No published segregation evidence has been identified for this variant. (I) 1007 - No published segregation evidence has been identified for this variant. (I) Legend: (SP) - Supporting pathogenic, (I) - Information, (SB) - Supporting benign

Literature cited by the submitters: PubMed 31932796.

NM_020829.4(RIC1):c.174_186delinsAGGC (p.Pro59_Ser62delinsGly)

Gene: RIC1 (RIC1 homolog, RAB6A GEF complex partner 1; plus strand). Cytogenetic location: 9p24.1.
Variant type: Indel.
Coding change: c.174_186delinsAGGC on transcript NM_020829.4 (MANE Select); coding-DNA positions 174 to 186, GCCTGCAAAATCA replaced by AGGC.
Protein change: p.Pro59_Ser62delinsGly.
Molecular consequence: inframe indel.
Genome position (GRCh38, 1-based): chr9:5,656,612-5,656,624, GCCTGCAAAATCA replaced by AGGC. VCF-style: chr9-5656612-GCCTGCAAAATCA-AGGC. GRCh37 (hg19) VCF-style: chr9-5656612-GCCTGCAAAATCA-AGGC.
Other names: c.174_186delinsAGGC, p.Pro59_Ser62delinsGly (NM_001135920.4, NM_001206557.2).
Identifiers: ClinVar variation 3254649 (VCV003254649.1), dbSNP rs2537172003.